The following is an entry in ClinVar:

NM_005415.5(SLC20A1):c.1048+9G>C

Gene: SLC20A1 (solute carrier family 20 member 1; plus strand). Cytogenetic location: 2q14.1.
Variant type: single nucleotide variant.
Coding change: c.1048+9G>C on transcript NM_005415.5 (MANE Select); 9 bases into the intron after coding-DNA position 1048, G replaced by C.
Molecular consequence: intron variant.
Genome position (GRCh38, 1-based): chr2:112,659,103, G>C. VCF-style: chr2-112659103-G-C. GRCh37 (hg19) VCF-style: chr2-113416680-G-C.
Identifiers: ClinVar variation 3042250 (VCV003042250.2), dbSNP rs183898160, ClinGen allele CA1835970.

ClinVar aggregate classification (germline): Likely benign (0 of 4 stars; one submission).

Conditions:
SLC20A1-related disorder. Also called: SLC20A1-related condition.

Allele frequency attached by ClinVar (database versions not stated): 1000 Genomes Project 30x 0.00016; 1000 Genomes Project 0.00020; gnomAD 0.00024; ExAC 0.00027; gnomAD exomes 0.00029; TOPMed 0.00041.

Submission:

PreventionGenetics, part of Exact Sciences
Classification: Likely benign for SLC20A1-related condition. Last evaluated: 2019-05-08. Review status: no assertion criteria provided. Collection method: clinical testing. Allele origin: germline.
Comment: This variant is classified as likely benign based on ACMG/AMP sequence variant interpretation guidelines (Richards et al. 2015 PMID: 25741868, with internal and published modifications).